The following is an entry in ClinVar:

NM_006204.4(PDE6C):c.2209-6T>C

Gene: PDE6C (phosphodiesterase 6C; plus strand). Cytogenetic location: 10q23.33.
Variant type: single nucleotide variant.
Coding change: c.2209-6T>C on transcript NM_006204.4 (MANE Select); 6 bases into the intron before coding-DNA position 2209, T replaced by C.
Molecular consequence: intron variant.
Genome position (GRCh38, 1-based): chr10:93,662,053, T>C. VCF-style: chr10-93662053-T-C. GRCh37 (hg19) VCF-style: chr10-95421810-T-C.
Other names: c.2209-6T>C (NM_006204.3).
Identifiers: ClinVar variation 1154606 (VCV001154606.12), dbSNP rs201866070, ClinGen allele CA5610450.

ClinVar aggregate classification (germline): Likely benign. Review status: criteria provided, multiple submitters, no conflicts (2 of 4 stars). 3 submissions from 3 submitters: Likely benign (2). 1 of the submissions does not count toward it. Last evaluated 2025-12-26.

Conditions:
PDE6C-related disorder. Also called: PDE6C-related condition.

Allele frequency attached by ClinVar (database versions not stated): ExAC 0.00007; gnomAD exomes 0.00008 and 0.00017; gnomAD 0.00009; TOPMed 0.00010; 1000 Genomes Project 30x 0.00016; 1000 Genomes Project 0.00020; ESP Exome Variant Server 0.00038.
gnomAD v4.1: 262 of 1,585,468 alleles (0.017%); highest among the groups gnomAD compares: Non-Finnish European, 0.021%; no homozygotes.

Submissions (3):

Labcorp Genetics (formerly Invitae), Labcorp
Classification: Likely benign. Last evaluated: 2025-12-26. Review status: criteria provided, single submitter. Criteria: Invitae Variant Classification Sherloc (09022015). Collection method: clinical testing. Allele origin: germline.

Blueprint Genetics
Classification: Likely benign. Last evaluated: 2022-12-22. Review status: criteria provided, single submitter. Criteria: ACMG Guidelines, 2015. Collection method: clinical testing. Allele origin: germline.

PreventionGenetics, part of Exact Sciences
Classification: Likely benign for PDE6C-related condition. Last evaluated: 2020-01-07. Review status: no assertion criteria provided. Collection method: clinical testing. Allele origin: germline. Not counted in ClinVar's aggregate classification.
Comment: This variant is classified as likely benign based on ACMG/AMP sequence variant interpretation guidelines (Richards et al. 2015 PMID: 25741868, with internal and published modifications).